The following is an entry in ClinVar:

ClinVar aggregate classification (germline): Uncertain significance (1 of 4 stars; one submission).

Conditions:
Holoprosencephaly 9 (HPE9). Also called: PITUITARY ANOMALIES WITH HOLOPROSENCEPHALY-LIKE FEATURES; HOLOPROSENCEPHALY WITH MICROPHTHALMIA AND FIRST BRANCHIAL ARCH ANOMALIES. Identifiers: Orphanet 2162, MedGen C1835819, MONDO:0012563, OMIM 610829.
Postaxial polydactyly-anterior pituitary anomalies-facial dysmorphism syndrome. Also called: Culler-Jones syndrome. Identifiers: Orphanet 420584, MedGen C4014479, MONDO:0014369, OMIM 615849.

Allele frequency attached by ClinVar (database versions not stated): gnomAD 0.00001.
gnomAD v4.1: 38 of 1,613,016 alleles (0.0024%); highest among the groups gnomAD compares: Admixed American, 0.005%; no homozygotes.

Submission:

Labcorp Genetics (formerly Invitae), Labcorp
Classification: Uncertain significance for Postaxial polydactyly-anterior pituitary anomalies-facial dysmorphism syndrome; Holoprosencephaly 9. Last evaluated: 2025-06-12. Review status: criteria provided, single submitter. Criteria: Invitae Variant Classification Sherloc (09022015). Collection method: clinical testing. Allele origin: germline.
Comment: This sequence change replaces valine, which is neutral and non-polar, with methionine, which is neutral and non-polar, at codon 183 of the GLI2 protein (p.Val183Met). This variant is present in population databases (rs754272697, gnomAD 0.03%). This missense change has been observed in individual(s) with complete pituitary stalk interruption syndrome (PMID: 24744436). ClinVar contains an entry for this variant (Variation ID: 2923977). An algorithm developed to predict the effect of missense changes on protein structure and function outputs the following: PolyPhen-2: "Benign". The methionine amino acid residue is found in multiple mammalian species, which suggests that this missense change does not adversely affect protein function. In summary, the available evidence is currently insufficient to determine the role of this variant in disease. Therefore, it has been classified as a Variant of Uncertain Significance.

Literature cited by the submitters: PubMed 24744436.

NM_001374353.1(GLI2):c.547G>A (p.Val183Met)

Gene: GLI2 (GLI family zinc finger 2; plus strand). Cytogenetic location: 2q14.2.
Variant type: single nucleotide variant.
Coding change: c.547G>A on transcript NM_001374353.1 (MANE Select); coding-DNA position 547, G replaced by A.
Protein change: p.Val183Met; replaces valine 183 with methionine.
Molecular consequence: missense variant.
Genome position (GRCh38, 1-based): chr2:120,955,334, G>A. VCF-style: chr2-120955334-G-A. GRCh37 (hg19) VCF-style: chr2-121712910-G-A.
Other names: c.547G>A, p.Val183Met (NM_001371271.1, NM_005270.5); c.172G>A, p.Val58Met (NM_001374354.1); short protein forms V183M, V58M.
Identifiers: ClinVar variation 2923977 (VCV002923977.3), dbSNP rs754272697, ClinGen allele CA1851566.